The following is an entry in ClinVar:

NM_004380.3(CREBBP):c.5825T>G (p.Val1942Gly)

Gene: CREBBP (CREB binding lysine acetyltransferase; minus strand). Cytogenetic location: 16p13.3.
Variant type: single nucleotide variant.
Coding change: c.5825T>G on transcript NM_004380.3 (MANE Select); coding-DNA position 5825, T replaced by G.
Protein change: p.Val1942Gly; replaces valine 1942 with glycine.
Molecular consequence: missense variant.
Genome position (GRCh38, 1-based): chr16:3,729,222, A>C on the plus strand (T>G on the coding strand, the complement: CREBBP is on the minus strand). VCF-style: chr16-3729222-A-C. GRCh37 (hg19) VCF-style: chr16-3779223-A-C.
Other names: c.5711T>G, p.Val1904Gly (NM_001079846.1); short protein forms V1904G, V1942G.
Identifiers: ClinVar variation 3902217 (VCV003902217.1).

ClinVar aggregate classification (germline): Uncertain significance (1 of 4 stars; one submission).

Submission:

Women's Health and Genetics/Laboratory Corporation of America, LabCorp
Classification: Uncertain significance. Last evaluated: 2025-05-30. Review status: criteria provided, single submitter. Criteria: LabCorp Variant Classification Summary - May 2015. Collection method: clinical testing. Allele origin: germline.
Comment: Variant summary: CREBBP c.5825T>G (p.Val1942Gly) results in a non-conservative amino acid change in the encoded protein sequence. Algorithms developed to predict the effect of missense changes on protein structure and function are either unavailable or do not agree on the potential impact of this missense change. The variant was absent in 131246 control chromosomes. The available data on variant occurrences in the general population are insufficient to allow any conclusion about variant significance. To our knowledge, no occurrence of c.5825T>G in individuals affected with Rubinstein-Taybi Syndrome and no experimental evidence demonstrating its impact on protein function have been reported. No submitters have cited clinical-significance assessments for this variant to ClinVar. Based on the evidence outlined above, the variant was classified as uncertain significance.